The following is an entry in ClinVar:

NM_004370.6(COL12A1):c.8504T>G (p.Met2835Arg)

Gene: COL12A1 (collagen type XII alpha 1 chain; minus strand). Cytogenetic location: 6q13.
Variant type: single nucleotide variant.
Coding change: c.8504T>G on transcript NM_004370.6 (MANE Select); coding-DNA position 8504, T replaced by G.
Protein change: p.Met2835Arg; replaces methionine 2835 with arginine.
Molecular consequence: missense variant.
Genome position (GRCh38, 1-based): chr6:75,101,619, A>C on the plus strand (T>G on the coding strand, the complement: COL12A1 is on the minus strand). VCF-style: chr6-75101619-A-C. GRCh37 (hg19) VCF-style: chr6-75811335-A-C.
Other names: c.5012T>G, p.Met1671Arg (NM_080645.3); short protein forms M1671R, M2835R.
Identifiers: ClinVar variation 2114356 (VCV002114356.4), dbSNP rs2533095692, ClinGen allele CA364738888.

ClinVar aggregate classification (germline): Uncertain significance (1 of 4 stars; one submission).

Conditions:
Ullrich congenital muscular dystrophy 2 (UCMD2). Identifiers: Orphanet 75840, MedGen C4225314, MONDO:0014654, OMIM 616470.
Bethlem myopathy 2 (BTHLM2). Identifiers: Orphanet 536516, Orphanet 610, MedGen C4225313, MONDO:0034022, OMIM 616471.

Submission:

Labcorp Genetics (formerly Invitae), Labcorp
Classification: Uncertain significance for Bethlem myopathy 2; Ullrich congenital muscular dystrophy 2. Last evaluated: 2022-04-08. Review status: criteria provided, single submitter. Criteria: Invitae Variant Classification Sherloc (09022015). Collection method: clinical testing. Allele origin: germline.
Comment: In summary, the available evidence is currently insufficient to determine the role of this variant in disease. Therefore, it has been classified as a Variant of Uncertain Significance. Algorithms developed to predict the effect of missense changes on protein structure and function are either unavailable or do not agree on the potential impact of this missense change (SIFT: "Deleterious"; PolyPhen-2: "Benign"; Align-GVGD: "Class C0"). This variant has not been reported in the literature in individuals affected with COL12A1-related conditions. This variant is not present in population databases (gnomAD no frequency). This sequence change replaces methionine, which is neutral and non-polar, with arginine, which is basic and polar, at codon 2835 of the COL12A1 protein (p.Met2835Arg).